The following is an entry in ClinVar:

ClinVar aggregate classification (germline): Uncertain significance (1 of 4 stars; one submission).

Conditions:
Primary ciliary dyskinesia. Also called: Ciliary dyskinesia. Identifiers: Orphanet 244, MedGen C0008780, MONDO:0016575, HP:0012265.

Submission:

Labcorp Genetics (formerly Invitae), Labcorp
Classification: Uncertain significance for Primary ciliary dyskinesia. Last evaluated: 2022-07-13. Review status: criteria provided, single submitter. Criteria: Invitae Variant Classification Sherloc (09022015). Collection method: clinical testing. Allele origin: germline.
Comment: This sequence change replaces alanine, which is neutral and non-polar, with aspartic acid, which is acidic and polar, at codon 290 of the DNAAF3 protein (p.Ala290Asp). This variant is not present in population databases (gnomAD no frequency). This variant has not been reported in the literature in individuals affected with DNAAF3-related conditions. Algorithms developed to predict the effect of missense changes on protein structure and function are either unavailable or do not agree on the potential impact of this missense change (SIFT: "Deleterious"; PolyPhen-2: "Probably Damaging"; Align-GVGD: "Class C0"). In summary, the available evidence is currently insufficient to determine the role of this variant in disease. Therefore, it has been classified as a Variant of Uncertain Significance.

NM_001256715.2(DNAAF3):c.665C>A (p.Ala222Asp)

Genes: DNAAF3 (dynein axonemal assembly factor 3; minus strand), DNAAF3-AS1 (DNAAF3 antisense RNA 1; plus strand). Cytogenetic location: 19q13.42.
Variant type: single nucleotide variant.
Coding change: c.665C>A on transcript NM_001256715.2 (MANE Select); coding-DNA position 665, C replaced by A.
Protein change: p.Ala222Asp; replaces alanine 222 with aspartic acid.
Molecular consequence: missense variant.
Genome position (GRCh38, 1-based): chr19:55,161,417, G>T on the plus strand (C>A on the coding strand, the complement: DNAAF3 is on the minus strand). VCF-style: chr19-55161417-G-T. GRCh37 (hg19) VCF-style: chr19-55672785-G-T.
Other names: c.869C>A, p.Ala290Asp (NM_001256714.1); c.503C>A, p.Ala168Asp (NM_001256716.2); c.806C>A, p.Ala269Asp (NM_178837.4); short protein forms A168D, A269D, A222D, A290D.
Identifiers: ClinVar variation 1906495 (VCV001906495.5), dbSNP rs866731630, ClinGen allele CA407454089.